The following is an entry in ClinVar:

ClinVar aggregate classification (germline): Likely benign (0 of 4 stars; one submission).

Conditions:
TRIO-related disorder. Also called: TRIO-related disorders; TRIO-related condition.

Allele frequency attached by ClinVar (database versions not stated): ExAC 0.00001; gnomAD exomes 0.00002; TOPMed 0.00002; gnomAD 0.00003; ESP Exome Variant Server 0.00008.
gnomAD v4.1: 32 of 1,610,464 alleles (0.002%); highest among the groups gnomAD compares: African/African-American, 0.0027%; no homozygotes.

Submission:

PreventionGenetics, part of Exact Sciences
Classification: Likely benign for TRIO-related condition. Last evaluated: 2019-04-18. Review status: no assertion criteria provided. Collection method: clinical testing. Allele origin: germline.
Comment: This variant is classified as likely benign based on ACMG/AMP sequence variant interpretation guidelines (Richards et al. 2015 PMID: 25741868, with internal and published modifications).

NM_007118.4(TRIO):c.2217-5C>T

Gene: TRIO (trio Rho guanine nucleotide exchange factor; plus strand). Cytogenetic location: 5p15.2.
Variant type: single nucleotide variant.
Coding change: c.2217-5C>T on transcript NM_007118.4 (MANE Select); 5 bases into the intron before coding-DNA position 2217, C replaced by T.
Molecular consequence: intron variant.
Genome position (GRCh38, 1-based): chr5:14,359,352, C>T. VCF-style: chr5-14359352-C-T. GRCh37 (hg19) VCF-style: chr5-14359461-C-T.
Identifiers: ClinVar variation 3058438 (VCV003058438.2), dbSNP rs367591598, ClinGen allele CA3205847.